The following is an entry in ClinVar:

NM_004385.5(VCAN):c.2011G>A (p.Val671Ile)

Gene: VCAN (versican; plus strand). Cytogenetic location: 5q14.3.
Variant type: single nucleotide variant.
Coding change: c.2011G>A on transcript NM_004385.5 (MANE Select); coding-DNA position 2011, G replaced by A.
Protein change: p.Val671Ile; replaces valine 671 with isoleucine.
Molecular consequence: missense variant. On other transcripts: intron variant (2).
Genome position (GRCh38, 1-based): chr5:83,520,317, G>A. VCF-style: chr5-83520317-G-A. GRCh37 (hg19) VCF-style: chr5-82816136-G-A.
Other names: c.2011G>A, p.Val671Ile (NM_001164098.2); c.1042+7921G>A (NM_001164097.2, NM_001126336.3); short protein forms V671I.
Identifiers: ClinVar variation 1941450 (VCV001941450.6), dbSNP rs375716122, ClinGen allele CA3332768.

ClinVar aggregate classification (germline): Uncertain significance. Review status: criteria provided, multiple submitters, no conflicts (2 of 4 stars). 2 submissions from 2 submitters: Uncertain significance (2). Last evaluated 2022-06-20.

Allele frequency attached by ClinVar (database versions not stated): ExAC 0.00002; gnomAD 0.00002; TOPMed 0.00002; ESP Exome Variant Server 0.00008.
gnomAD v4.1: 5 of 1,613,650 alleles (0.00031%); highest among the groups gnomAD compares: African/African-American, 0.0053%; no homozygotes.

Submissions (2):

Labcorp Genetics (formerly Invitae), Labcorp
Classification: Uncertain significance. Last evaluated: 2022-06-20. Review status: criteria provided, single submitter. Criteria: Invitae Variant Classification Sherloc (09022015). Collection method: clinical testing. Allele origin: germline.
Comment: This variant is present in population databases (rs375716122, gnomAD 0.02%). This sequence change replaces valine, which is neutral and non-polar, with isoleucine, which is neutral and non-polar, at codon 671 of the VCAN protein (p.Val671Ile). This variant has not been reported in the literature in individuals affected with VCAN-related conditions. Algorithms developed to predict the effect of missense changes on protein structure and function output the following: SIFT: "Tolerated"; PolyPhen-2: "Benign"; Align-GVGD: "Class C0". The isoleucine amino acid residue is found in multiple mammalian species, which suggests that this missense change does not adversely affect protein function. In summary, the available evidence is currently insufficient to determine the role of this variant in disease. Therefore, it has been classified as a Variant of Uncertain Significance.

Blueprint Genetics
Classification: Uncertain significance. Last evaluated: 2021-07-12. Review status: criteria provided, single submitter. Criteria: ACMG Guidelines, 2015. Collection method: clinical testing. Allele origin: germline.